The following is an entry in ClinVar:

NM_080476.5(PIGU):c.1194+3A>G

Gene: PIGU (phosphatidylinositol glycan anchor biosynthesis class U; minus strand). Cytogenetic location: 20q11.22.
Variant type: single nucleotide variant.
Coding change: c.1194+3A>G on transcript NM_080476.5 (MANE Select); 3 bases into the intron after coding-DNA position 1194, A replaced by G.
Molecular consequence: intron variant.
Genome position (GRCh38, 1-based): chr20:34,575,101, T>C on the plus strand (A>G on the coding strand, the complement: PIGU is on the minus strand). VCF-style: chr20-34575101-T-C. GRCh37 (hg19) VCF-style: chr20-33162905-T-C.
Identifiers: ClinVar variation 1299432 (VCV001299432.1), dbSNP rs919805615, ClinGen allele CA313381333.

ClinVar aggregate classification (germline): Uncertain significance (1 of 4 stars; one submission).

Conditions:
Glycosylphosphatidylinositol biosynthesis defect 21. Also called: NEURODEVELOPMENTAL DISORDER WITH BRAIN ANOMALIES, SEIZURES, AND SCOLIOSIS. Identifiers: MedGen C5231419, MONDO:0032824, OMIM 618590.

Allele frequency attached by ClinVar (database versions not stated): gnomAD exomes 0.00002; TOPMed below 0.00001.
gnomAD v4.1: 31 of 1,613,970 alleles (0.0019%); highest among the groups gnomAD compares: Non-Finnish European, 0.0025%; no homozygotes.

Submission:

Breda Genetics srl
Classification: Uncertain significance for Glycosylphosphatidylinositol biosynthesis defect 21. Last evaluated: 2021-06-23. Review status: criteria provided, single submitter. Criteria: ACMG Guidelines, 2015. Collection method: clinical testing. Allele origin: germline. Inheritance: Autosomal recessive inheritance. Affected: yes. Observed: 1 variant allele, 1 heterozygote.
Comment: Based on allele frequency, in-silico prediction scores and a certain overlap with the clinical phenotype, we interpreted this variant at least as of uncertain significance. The lack of one or more of the following features has discouraged further investigations: lack of a possible second hit in autosomal recessive conditions, presence of healthy controls in databases for autosomal dominant conditions, presence of unmatching cardinal clinical features in the patient or in the known gene-disease association, and/or variant type outside the known gene mutational spectrum.